The following is an entry in ClinVar:

ClinVar aggregate classification (germline): Uncertain significance (1 of 4 stars; one submission).

Submission:

CeGaT Center for Human Genetics Tuebingen
Classification: Uncertain significance. Last evaluated: 2025-09-01. Review status: criteria provided, single submitter. Criteria: CeGaT Center For Human Genetics Tuebingen Variant Classification Criteria Version 2. Collection method: clinical testing. Allele origin: germline. Affected: yes. Observed: 1 variant allele.
Comment: CDC14A: PM2, PM4:Supporting

NM_003672.4(CDC14A):c.614_616del (p.Pro205del)

Gene: CDC14A (cell division cycle 14A; plus strand). Cytogenetic location: 1p21.2.
Variant type: Deletion.
Coding change: c.614_616del on transcript NM_003672.4 (MANE Select); coding-DNA positions 614 to 616, 3 bases deleted (CTC; older notation c.614_616delCTC).
Protein change: p.Pro205del; deletes proline 205.
Molecular consequence: inframe deletion. On other transcripts: 5 prime UTR variant (1).
Genome position (GRCh38, 1-based): chr1:100,462,657-100,462,659, CTC deleted; deleting any 3 consecutive bases within chr1:100,462,655-100,462,659 gives the same sequence; the c. name uses the placement nearest the transcript's 3' end. VCF-style (leftmost placement, unchanged base first): chr1-100462654-ATCC-A. GRCh37 (hg19) VCF-style: chr1-100928210-ATCC-A.
Other names: c.614_616del, p.Pro205del (NM_001319210.2, NM_033312.3, NM_033313.3); c.440_442del, p.Pro147del (NM_001319211.2); c.-266_-264del (NM_001319212.2); short protein forms P147del, P205del.
Identifiers: ClinVar variation 4281522 (VCV004281522.7).